The following is an entry in ClinVar:

ClinVar aggregate classification (germline): Uncertain significance (1 of 4 stars; one submission).

Conditions:
Pyogenic arthritis-pyoderma gangrenosum-acne syndrome (PAPA). Also called: FAMILIAL RECURRENT ARTHRITIS; PAPA SYNDROME. Identifiers: Orphanet 69126, MedGen C1858361, MONDO:0011462, OMIM 604416.

Submission:

Labcorp Genetics (formerly Invitae), Labcorp
Classification: Uncertain significance for Pyogenic arthritis-pyoderma gangrenosum-acne syndrome. Last evaluated: 2022-11-15. Review status: criteria provided, single submitter. Criteria: Invitae Variant Classification Sherloc (09022015). Collection method: clinical testing. Allele origin: germline.
Comment: In summary, the available evidence is currently insufficient to determine the role of this variant in disease. Therefore, it has been classified as a Variant of Uncertain Significance. Algorithms developed to predict the effect of sequence changes on RNA splicing suggest that this variant may disrupt the consensus splice site. Algorithms developed to predict the effect of missense changes on protein structure and function are either unavailable or do not agree on the potential impact of this missense change (SIFT: "Deleterious"; PolyPhen-2: "Benign"; Align-GVGD: "Class C0"). ClinVar contains an entry for this variant (Variation ID: 1017397). This variant has not been reported in the literature in individuals affected with PSTPIP1-related conditions. This variant is not present in population databases (gnomAD no frequency). This sequence change replaces cysteine, which is neutral and slightly polar, with tryptophan, which is neutral and slightly polar, at codon 13 of the PSTPIP1 protein (p.Cys13Trp).

NM_003978.5(PSTPIP1):c.39C>G (p.Cys13Trp)

Gene: PSTPIP1 (proline-serine-threonine phosphatase interacting protein 1; plus strand). Cytogenetic location: 15q24.3.
Variant type: single nucleotide variant.
Coding change: c.39C>G on transcript NM_003978.5 (MANE Select); coding-DNA position 39, C replaced by G.
Protein change: p.Cys13Trp; replaces cysteine 13 with tryptophan.
Molecular consequence: missense variant. On other transcripts: non-coding transcript variant (1).
Genome position (GRCh38, 1-based): chr15:77,018,150, C>G. VCF-style: chr15-77018150-C-G. GRCh37 (hg19) VCF-style: chr15-77310491-C-G.
Other names: c.39C>G, p.Cys13Trp (NM_001321135.2); c.12C>G, p.Cys4Trp (NM_001321136.2); c.234C>G, p.Cys78Trp (NM_001321137.1); short protein forms C13W, C4W, C78W.
Identifiers: ClinVar variation 1017397 (VCV001017397.8), dbSNP rs2076087868, ClinGen allele CA393518129.